The following is an entry in ClinVar:

NM_004563.4(PCK2):c.821G>A (p.Arg274Gln)

Genes: NRL (neural retina leucine zipper; minus strand), PCK2 (phosphoenolpyruvate carboxykinase 2, mitochondrial; plus strand). Cytogenetic location: 14q11.2.
Variant type: single nucleotide variant.
Coding change: c.821G>A on transcript NM_004563.4 (MANE Select); coding-DNA position 821, G replaced by A.
Protein change: p.Arg274Gln; replaces arginine 274 with glutamine.
Molecular consequence: missense variant. On other transcripts: intron variant (3).
Genome position (GRCh38, 1-based): chr14:24,099,205, G>A. VCF-style: chr14-24099205-G-A. GRCh37 (hg19) VCF-style: chr14-24568414-G-A.
Other names: c.419G>A, p.Arg140Gln (NM_001308054.2, NM_001291556.2); c.-28+15517C>T (NM_001354768.3, NM_001354770.2); c.-253-14460C>T (NM_006177.5); c.821G>A, p.Arg274Gln (NM_001018073.3); short protein forms R274Q, R140Q.
Identifiers: ClinVar variation 3635290 (VCV003635290.2).

ClinVar aggregate classification (germline): Uncertain significance (1 of 4 stars; one submission).

gnomAD v4.1: 150 of 1,601,412 alleles (0.0094%); highest among the groups gnomAD compares: Admixed American, 0.037%; no homozygotes.

Submission:

Labcorp Genetics (formerly Invitae), Labcorp
Classification: Uncertain significance. Last evaluated: 2025-08-03. Review status: criteria provided, single submitter. Criteria: Invitae Variant Classification Sherloc (09022015). Collection method: clinical testing. Allele origin: germline.
Comment: This sequence change replaces arginine, which is basic and polar, with glutamine, which is neutral and polar, at codon 274 of the PCK2 protein (p.Arg274Gln). This variant is present in population databases (rs549215235, gnomAD 0.03%). This variant has not been reported in the literature in individuals affected with PCK2-related conditions. ClinVar contains an entry for this variant (Variation ID: 3635290). Invitae Evidence Modeling of protein sequence and biophysical properties (such as structural, functional, and spatial information, amino acid conservation, physicochemical variation, residue mobility, and thermodynamic stability) indicates that this missense variant is not expected to disrupt PCK2 protein function with a negative predictive value of 80%. In summary, the available evidence is currently insufficient to determine the role of this variant in disease. Therefore, it has been classified as a Variant of Uncertain Significance.